The following is an entry in ClinVar:

NM_000501.4(ELN):c.1227del (p.Gly410fs)

Gene: ELN (elastin; plus strand). Cytogenetic location: 7q11.23.
Variant type: Deletion.
Coding change: c.1227del on transcript NM_000501.4 (MANE Select); coding-DNA position 1227, one base deleted (C; older notation c.1227delC).
Protein change: p.Gly410fs; shifts the reading frame from glycine 410.
Molecular consequence: frameshift variant.
Genome position (GRCh38, 1-based): chr7:74,056,347, C deleted. VCF-style (leftmost placement, unchanged base first): chr7-74056346-TC-T. GRCh37 (hg19) VCF-style: chr7-73470676-TC-T.
Other names: c.1197del, p.Gly400fs (NM_001081752.3, NM_001278917.2); c.1242del, p.Gly415fs (NM_001081753.3, NM_001081754.3); c.1227del, p.Gly410fs (NM_001081755.3, NM_001278912.2, NM_001278915.2 and 1 more transcripts); c.1119del, p.Gly374fs (NM_001278913.2); c.1212del, p.Gly405fs (NM_001278914.2); c.1185del, p.Gly396fs (NM_001278916.2); c.1095del, p.Gly366fs (NM_001278918.2); short protein forms G374fs, G400fs, G396fs, G405fs, G410fs, G415fs, G366fs.
Identifiers: ClinVar variation 580650 (VCV000580650.6), dbSNP rs1563836689, ClinGen allele CA891843201.

ClinVar aggregate classification (germline): Pathogenic (1 of 4 stars; one submission).

Conditions:
Supravalvar aortic stenosis (SVAS). Also called: Supravalvar aortic stenosis, Eisenberg type. Identifiers: Orphanet 3193, MedGen C0003499, MONDO:0008504, OMIM 185500, HP:0004381.

Submission:

Labcorp Genetics (formerly Invitae), Labcorp
Classification: Pathogenic for Supravalvar aortic stenosis. Last evaluated: 2018-03-10. Review status: criteria provided, single submitter. Criteria: Invitae Variant Classification Sherloc (09022015). Collection method: clinical testing. Allele origin: germline.
Comment: This sequence change creates a premature translational stop signal (p.Gly410Glufs*54) in the ELN gene. It is expected to result in an absent or disrupted protein product. This variant is not present in population databases (ExAC no frequency). For these reasons, this variant has been classified as Pathogenic. Loss-of-function variants in ELN are known to be pathogenic (PMID: 11175284). This variant has not been reported in the literature in individuals with ELN-related disease.

Literature cited by the submitters: PubMed 11175284.